The following is an entry in ClinVar:

ClinVar aggregate classification (germline): Uncertain significance (1 of 4 stars; one submission).

Allele frequency attached by ClinVar (database versions not stated): TOPMed 0.00002; ExAC 0.00003; gnomAD 0.00003; gnomAD exomes 0.00006; 1000 Genomes Project 30x 0.00016; 1000 Genomes Project 0.00020.
gnomAD v4.1: 88 of 1,609,326 alleles (0.0055%); highest among the groups gnomAD compares: East Asian, 0.19%; 2 homozygotes.

Submission:

Labcorp Genetics (formerly Invitae), Labcorp
Classification: Uncertain significance. Last evaluated: 2025-01-15. Review status: criteria provided, single submitter. Criteria: Invitae Variant Classification Sherloc (09022015). Collection method: clinical testing. Allele origin: germline.
Comment: This sequence change replaces alanine, which is neutral and non-polar, with glycine, which is neutral and non-polar, at codon 508 of the TAOK2 protein (p.Ala508Gly). This variant is present in population databases (rs200883075, gnomAD 0.04%). This variant has not been reported in the literature in individuals affected with TAOK2-related conditions. ClinVar contains an entry for this variant (Variation ID: 1919678). An algorithm developed to predict the effect of missense changes on protein structure and function (PolyPhen-2) suggests that this variant is likely to be tolerated. In summary, the available evidence is currently insufficient to determine the role of this variant in disease. Therefore, it has been classified as a Variant of Uncertain Significance.

NM_016151.4(TAOK2):c.1523C>G (p.Ala508Gly)

Gene: TAOK2 (TAO kinase 2; plus strand). Cytogenetic location: 16p11.2.
Variant type: single nucleotide variant.
Coding change: c.1523C>G on transcript NM_016151.4 (MANE Select); coding-DNA position 1523, C replaced by G.
Protein change: p.Ala508Gly; replaces alanine 508 with glycine.
Molecular consequence: missense variant.
Genome position (GRCh38, 1-based): chr16:29,985,313, C>G. VCF-style: chr16-29985313-C-G. GRCh37 (hg19) VCF-style: chr16-29996634-C-G.
Other names: c.1523C>G, p.Ala508Gly (NM_001252043.2, NM_004783.4); short protein forms A508G.
Identifiers: ClinVar variation 1919678 (VCV001919678.5), dbSNP rs200883075, ClinGen allele CA7998161.